The following is an entry in ClinVar:

ClinVar aggregate classification (germline): Conflicting classifications of pathogenicity. Review status: criteria provided, conflicting classifications (1 of 4 stars). 5 submissions from 5 submitters: Uncertain significance (2); Likely benign (3). Last evaluated 2026-01-22.

Conditions:
Familial thoracic aortic aneurysm and aortic dissection (TAAD). Also called: Thoracic aortic aneurysms and dissections. Identifiers: Orphanet 91387, MedGen C4707243, MONDO:0019625.
Marfan syndrome (MFS). Also called: MARFAN SYNDROME, TYPE I; Marfan syndrome type 1; Marfan's syndrome; Marfan syndrome, classic; FBN1-Related Marfan Syndrome. Identifiers: Orphanet 284963, Orphanet 558, MedGen C0024796, MONDO:0007947, OMIM 154700.

Allele frequency attached by ClinVar (database versions not stated): gnomAD 0.00001; ExAC 0.00002; TOPMed 0.00002; gnomAD exomes 0.00005.

Submissions (5):

Labcorp Genetics (formerly Invitae), Labcorp
Classification: Uncertain significance for Marfan syndrome; Familial thoracic aortic aneurysm and aortic dissection. Last evaluated: 2026-01-22. Review status: criteria provided, single submitter. Criteria: Invitae Variant Classification Sherloc (09022015). Collection method: clinical testing. Allele origin: germline.
Comment: This sequence change affects codon 1237 of the FBN1 mRNA. It is a 'silent' change, meaning that it does not change the encoded amino acid sequence of the FBN1 protein. It affects a nucleotide within the consensus splice site. This variant is present in population databases (rs536369260, gnomAD 0.01%). This variant has been observed in individuals with Marfan syndrome (PMID: 26410935; internal data). ClinVar contains an entry for this variant (Variation ID: 643444). Algorithms developed to predict the effect of sequence changes on RNA splicing suggest that this variant is not likely to affect RNA splicing. In summary, the available evidence is currently insufficient to determine the role of this variant in disease. Therefore, it has been classified as a Variant of Uncertain Significance.

Women's Health and Genetics/Laboratory Corporation of America, LabCorp
Classification: Uncertain significance. Last evaluated: 2023-08-23. Review status: criteria provided, single submitter. Criteria: LabCorp Variant Classification Summary - May 2015. Collection method: clinical testing. Allele origin: germline.
Comment: Variant summary: FBN1 c.3711C>T (p.Thr1237Thr) alters a non-conserved nucleotide located close to a canonical splice site and therefore could affect mRNA splicing, leading to a significantly altered protein sequence. Consensus agreement among computation tools predict no significant impact on normal splicing. However, these predictions have yet to be confirmed by functional studies. The variant allele was found at a frequency of 4.8e-05 in 251466 control chromosomes (gnomAD). This frequency is not significantly higher than estimated for a pathogenic variant in FBN1 causing Marfan Syndrome (4.8e-05 vs 0.00011), allowing no conclusion about variant significance. c.3711C>T has been reported in the literature in association with Marfan Syndrome (example: Semyachkina _2015). This report does not provide unequivocal conclusions about association of the variant with Marfan Syndrome. To our knowledge, no experimental evidence demonstrating an impact on protein function has been reported. The following publication has been ascertained in the context of this evaluation (PMID: 26410935). Three submitters have cited clinical-significance assessments for this variant to ClinVar after 2014 and classified the variant as VUS (n=1) and likely benign (n=2). Based on the evidence outlined above, the variant was classified as uncertain significance.

Ambry Genetics
Classification: Likely benign for Familial thoracic aortic aneurysm and aortic dissection. Last evaluated: 2023-01-29. Review status: criteria provided, single submitter. Criteria: Ambry Variant Classification Scheme 2023. Collection method: clinical testing. Allele origin: germline.

CeGaT Center for Human Genetics Tuebingen
Classification: Likely benign. Last evaluated: 2023-01-01. Review status: criteria provided, single submitter. Criteria: CeGaT Center For Human Genetics Tuebingen Variant Classification Criteria Version 2. Collection method: clinical testing. Allele origin: germline. Affected: yes. Observed: 1 variant allele.
Comment: FBN1: BP4, BP7

Color Diagnostics, LLC DBA Color Health
Classification: Likely benign for Familial thoracic aortic aneurysm and aortic dissection. Last evaluated: 2019-01-22. Review status: criteria provided, single submitter. Criteria: ACMG Guidelines, 2015. Collection method: clinical testing. Allele origin: germline.

Literature cited by the submitters: PubMed 26410935 (cited by Labcorp Genetics (formerly Invitae), Labcorp and Women's Health and Genetics/Laboratory Corporation of America, LabCorp).

NM_000138.5(FBN1):c.3711C>T (p.Thr1237=)

Gene: FBN1 (fibrillin 1; minus strand). Cytogenetic location: 15q21.1.
Variant type: single nucleotide variant.
Coding change: c.3711C>T on transcript NM_000138.5 (MANE Select); coding-DNA position 3711, C replaced by T.
Protein change: p.Thr1237=; no amino-acid change (threonine 1237 retained).
Molecular consequence: synonymous variant.
Genome position (GRCh38, 1-based): chr15:48,485,375, G>A on the plus strand (C>T on the coding strand, the complement: FBN1 is on the minus strand). VCF-style: chr15-48485375-G-A. GRCh37 (hg19) VCF-style: chr15-48777572-G-A.
Identifiers: ClinVar variation 643444 (VCV000643444.37), dbSNP rs536369260, ClinGen allele CA051382.